The following is an entry in ClinVar:

NM_030653.4(DDX11):c.2301del (p.Ala769fs)

Gene: DDX11 (DEAD/H-box helicase 11; plus strand). Cytogenetic location: 12p11.21.
Variant type: Deletion.
Coding change: c.2301del on transcript NM_030653.4 (MANE Select); coding-DNA position 2301, one base deleted (A; older notation c.2301delA).
Protein change: p.Ala769fs; shifts the reading frame from alanine 769.
Molecular consequence: frameshift variant.
Genome position (GRCh38, 1-based): chr12:31,102,456, A deleted. VCF-style (leftmost placement, unchanged base first): chr12-31102455-CA-C. GRCh37 (hg19) VCF-style: chr12-31255389-CA-C.
Other names: c.2301del, p.Ala769fs (NM_001257144.2, NM_152438.2); c.2223del, p.Ala743fs (NM_001257145.2); c.2151del, p.Ala719fs (NM_004399.3); short protein forms A719fs, A743fs, A769fs.
Identifiers: ClinVar variation 1187625 (VCV001187625.3), dbSNP rs780008058, ClinGen allele CA6501756.
Genomic context (GRCh38, chr12:31,102,455, plus strand): 5'-TCAGCAACTCAGCGTCTGGGTTTCTCCTACAGGCCTGTGGCCAGGAGAGAGGCCAGGTGA[CA>C]GGGGCCCTGCTCCTCTCTGTGGTTGGAGGAAAGATGAGTGAAGGGATCAACTTCTCTGAC-3'

ClinVar aggregate classification (germline): Conflicting classifications of pathogenicity. Review status: criteria provided, conflicting classifications (1 of 4 stars). 2 submissions from 2 submitters: Likely pathogenic (1); Uncertain significance (1). Last evaluated 2024-06-09.

Conditions:
Warsaw breakage syndrome (WABS). Also called: DDX11-Related Cohesinopathy. Identifiers: Orphanet 280558, MedGen C3150658, MONDO:0013252, OMIM 613398.

Allele frequency attached by ClinVar (database versions not stated): ExAC 0.00001; gnomAD exomes 0.00002.

Submissions (2):

Fulgent Genetics
Classification: Likely pathogenic for Warsaw breakage syndrome. Last evaluated: 2024-06-09. Review status: criteria provided, single submitter. Criteria: ACMG Guidelines, 2015. Collection method: clinical testing. Allele origin: germline.

GeneDx
Classification: Uncertain significance. Last evaluated: 2020-09-29. Review status: criteria provided, single submitter. Criteria: GeneDx Variant Classification Process June 2021. Collection method: clinical testing. Allele origin: germline. Affected: yes.
Comment: Frameshift variant predicted to result in protein truncation or nonsense mediated decay in a gene for which loss-of-function is a known mechanism of disease; Has not been previously published as pathogenic or benign to our knowledge